The following is an entry in ClinVar:

NM_000780.4(CYP7A1):c.573T>A (p.Asp191Glu)

Gene: CYP7A1 (cytochrome P450 family 7 subfamily A member 1; minus strand). Cytogenetic location: 8q12.1.
Variant type: single nucleotide variant.
Coding change: c.573T>A on transcript NM_000780.4 (MANE Select); coding-DNA position 573, T replaced by A.
Protein change: p.Asp191Glu; replaces aspartic acid 191 with glutamic acid.
Molecular consequence: missense variant.
Genome position (GRCh38, 1-based): chr8:58,496,939, A>T on the plus strand (T>A on the coding strand, the complement: CYP7A1 is on the minus strand). VCF-style: chr8-58496939-A-T. GRCh37 (hg19) VCF-style: chr8-59409498-A-T.
Other names: short protein forms D191E.
Identifiers: ClinVar variation 4745224 (VCV004745224.1).

ClinVar aggregate classification (germline): Uncertain significance (1 of 4 stars; one submission).

Submission:

Labcorp Genetics (formerly Invitae), Labcorp
Classification: Uncertain significance. Last evaluated: 2025-12-09. Review status: criteria provided, single submitter. Criteria: Invitae Variant Classification Sherloc (09022015). Collection method: clinical testing. Allele origin: germline.
Comment: This sequence change replaces aspartic acid, which is acidic and polar, with glutamic acid, which is acidic and polar, at codon 191 of the CYP7A1 protein (p.Asp191Glu). This variant is not present in population databases (gnomAD no frequency). This variant has not been reported in the literature in individuals affected with CYP7A1-related conditions. Invitae Evidence Modeling of protein sequence and biophysical properties (such as structural, functional, and spatial information, amino acid conservation, physicochemical variation, residue mobility, and thermodynamic stability) indicates that this missense variant is not expected to disrupt CYP7A1 protein function with a negative predictive value of 80%. In summary, the available evidence is currently insufficient to determine the role of this variant in disease. Therefore, it has been classified as a Variant of Uncertain Significance.